The following is an entry in ClinVar:

ClinVar aggregate classification (germline): Pathogenic. Review status: criteria provided, multiple submitters, no conflicts (2 of 4 stars). 7 submissions from 7 submitters: Pathogenic (7). Last evaluated 2026-04-21.

Conditions:
Adult hypophosphatasia. Identifiers: Orphanet 247676, Orphanet 436, MedGen C0268413, MONDO:1010154, OMIM 146300, MONDO:0007798.
Childhood hypophosphatasia. Identifiers: Orphanet 247667, Orphanet 436, MedGen C0220743, MONDO:1010168, OMIM 241510, MONDO:0009428.
Infantile hypophosphatasia. Identifiers: Orphanet 247651, Orphanet 436, MedGen C0268412, MONDO:1010169, OMIM 241500, MONDO:0009427.
Hypophosphatasia. Also called: Phosphoethanol-aminuria. Identifiers: Orphanet 436, MedGen C0020630, MeSH D007014, MONDO:0018570.
ALPL-related disorder. Also called: ALPL-related condition; ALPL-related disorders.

Allele frequency attached by ClinVar (database versions not stated): gnomAD exomes 0.00001; ExAC 0.00002.
gnomAD v4.1: 7 of 1,613,858 alleles (0.00043%); highest among the groups gnomAD compares: Non-Finnish European, 0.00051%; no homozygotes.

Submissions (7):

Women's Health and Genetics/Laboratory Corporation of America, LabCorp
Classification: Pathogenic for Hypophosphatasia. Last evaluated: 2026-04-21. Review status: criteria provided, single submitter. Criteria: LabCorp Variant Classification Summary - May 2015. Collection method: clinical testing. Allele origin: germline.
Comment: Variant summary: ALPL c.1282C>T (p.Arg428X) results in a premature termination codon in the penultimate exon, predicted to cause a truncation of the encoded protein, however, nonsense mediated decay is not expected to occur. The variant allele was found at a frequency of 1.2e-05 in 251366 control chromosomes. c.1282C>T has been observed in individual(s) affected with Hypophosphatasia (example, Gehring_1999, Taketani_2015, Taillandier_1999). These data indicate that the variant is likely to be associated with disease. At least one publication reports experimental evidence evaluating an impact on protein function. The most pronounced variant effect results in <10% of normal activity (example, Gehring_1999). The following publications have been ascertained in the context of this evaluation (PMID: 10636450, 26219717, 10094560). ClinVar contains an entry for this variant (Variation ID: 929188). Based on the evidence outlined above, the variant was classified as pathogenic for autosomal dominant and autosomal recessive hypophosphatasia.

Genomenon, Inc
Classification: Pathogenic for Hypophosphatasia. Last evaluated: 2025-08-29. Review status: criteria provided, single submitter. Criteria: Genomenon Sequence Variant Interpretation Standards. Collection method: curation. Allele origin: germline. Affected: yes.
Comment: ALPL p.Arg428Ter (c.1282C>T) is a nonsense variant that introduces a premature stop codon at amino acid position 428, creating a truncated protein. This variant has been observed in at least one proband affected with hypophosphatasia (PMID:10636450;32811521;24276437). At least one functional study has demonstrated a substantial alteration in protein function relative to the wild-type (PMID:32160374). It is absent or not present at a significant frequency in gnomAD. In conclusion, we classify ALPL p.Arg428Ter (c.1282C>T) as a pathogenic variant.

Labcorp Genetics (formerly Invitae), Labcorp
Classification: Pathogenic. Last evaluated: 2025-05-07. Review status: criteria provided, single submitter. Criteria: Invitae Variant Classification Sherloc (09022015). Collection method: clinical testing. Allele origin: germline.
Comment: This sequence change creates a premature translational stop signal (p.Arg428*) in the ALPL gene. While this is not anticipated to result in nonsense mediated decay, it is expected to disrupt the last 97 amino acid(s) of the ALPL protein. This variant is present in population databases (rs759017288, gnomAD 0.003%). This premature translational stop signal has been observed in individual(s) with hypophosphatasia (PMID: 10094560). This variant is also known as R411X. ClinVar contains an entry for this variant (Variation ID: 929188). This variant disrupts a region of the ALPL protein in which other variant(s) (p.Leu520Argfs*86) have been determined to be pathogenic (PMID: 7833929, 9814472, 15660230, 15794757, 24334170, 28802630). This suggests that this is a clinically significant region of the protein, and that variants that disrupt it are likely to be disease-causing. For these reasons, this variant has been classified as Pathogenic.

Blueprint Genetics
Classification: Pathogenic for ALPL-related disorders. Last evaluated: 2024-02-19. Review status: criteria provided, single submitter. Criteria: ACMG Guidelines, 2015. Collection method: clinical testing. Allele origin: germline. Affected: yes. Observed: 3 variant alleles.

Fulgent Genetics
Classification: Pathogenic for Adult hypophosphatasia; Infantile hypophosphatasia; Childhood hypophosphatasia. Last evaluated: 2024-02-06. Review status: criteria provided, single submitter. Criteria: ACMG Guidelines, 2015. Collection method: clinical testing. Allele origin: germline.

Baylor Genetics
Classification: Pathogenic for Adult hypophosphatasia. Last evaluated: 2023-12-15. Review status: criteria provided, single submitter. Criteria: ACMG Guidelines, 2015. Collection method: clinical testing. Allele origin: unknown.

Institute of Immunology and Genetics Kaiserslautern
Classification: Pathogenic for Adult hypophosphatasia. Last evaluated: 2022-11-21. Review status: criteria provided, single submitter. Criteria: ACMG Guidelines, 2015. Collection method: clinical testing. Allele origin: germline. Affected: yes.
Comment: ACMG Criteria: PVS1, PM2, PM3, PP5, PM5_P; Variant was found in heterozygous state.

Literature cited by the submitters: PubMed 10094560 (cited by Women's Health and Genetics/Laboratory Corporation of America, LabCorp and Labcorp Genetics (formerly Invitae), Labcorp); PubMed 10636450 (cited by Women's Health and Genetics/Laboratory Corporation of America, LabCorp and Genomenon, Inc); PubMed 26219717 (cited by Women's Health and Genetics/Laboratory Corporation of America, LabCorp); PubMed 32811521 (cited by Genomenon, Inc); PubMed 24276437 (cited by Genomenon, Inc); PubMed 32160374 (cited by Genomenon, Inc); PubMed 7833929 (cited by Labcorp Genetics (formerly Invitae), Labcorp); PubMed 9814472 (cited by Labcorp Genetics (formerly Invitae), Labcorp); PubMed 15660230 (cited by Labcorp Genetics (formerly Invitae), Labcorp); PubMed 15794757 (cited by Labcorp Genetics (formerly Invitae), Labcorp); PubMed 24334170 (cited by Labcorp Genetics (formerly Invitae), Labcorp); PubMed 28802630 (cited by Labcorp Genetics (formerly Invitae), Labcorp).

NM_000478.6(ALPL):c.1282C>T (p.Arg428Ter)

Gene: ALPL (alkaline phosphatase, biomineralization associated; plus strand). Cytogenetic location: 1p36.12.
Variant type: single nucleotide variant.
Coding change: c.1282C>T on transcript NM_000478.6 (MANE Select); coding-DNA position 1282, C replaced by T.
Protein change: p.Arg428Ter; replaces arginine 428 with a stop codon.
Molecular consequence: nonsense.
Genome position (GRCh38, 1-based): chr1:21,576,614, C>T. VCF-style: chr1-21576614-C-T. GRCh37 (hg19) VCF-style: chr1-21903107-C-T.
Other names: c.1117C>T, p.Arg373Ter (NM_001127501.4); c.1051C>T, p.Arg351Ter (NM_001177520.3); c.1282C>T, p.Arg428Ter (NM_001369803.2, NM_001369804.2, NM_001369805.2); short protein forms R351*, R373*, R428*.
Identifiers: ClinVar variation 929188 (VCV000929188.15), dbSNP rs759017288, ClinGen allele CA666794.